The following is an entry in ClinVar:

NM_001011720.2(XKR9):c.599G>A (p.Cys200Tyr)

Gene: XKR9 (XK related 9; plus strand). Cytogenetic location: 8q13.3.
Variant type: single nucleotide variant.
Coding change: c.599G>A on transcript NM_001011720.2 (MANE Select); coding-DNA position 599, G replaced by A.
Protein change: p.Cys200Tyr; replaces cysteine 200 with tyrosine.
Molecular consequence: missense variant.
Genome position (GRCh38, 1-based): chr8:70,733,901, G>A. VCF-style: chr8-70733901-G-A. GRCh37 (hg19) VCF-style: chr8-71646136-G-A.
Other names: c.203G>A, p.Cys68Tyr (NM_001287258.2); c.599G>A, p.Cys200Tyr (NM_001287259.2, NM_001287260.2); short protein forms C200Y, C68Y.
Identifiers: ClinVar variation 2658646 (VCV002658646.24), dbSNP rs115882259, ClinGen allele CA4779213.
Genomic context (GRCh38, chr8:70,733,901, plus strand): 5'-TTGATTATCAAGTAGCTTTAAGAAAATCCTTGCCTGACAAAAAGCTTCTTAATGGATTAT[G>A]TCCCAAAATCACATATCTCTTTTACAAGTTGTTTACATTATTATCGTGGATGCTGAGTGT-3'
Protein context (NP_001011720.1, residues 190-210): LPDKKLLNGL[Cys200Tyr]PKITYLFYKL

ClinVar aggregate classification (germline): Likely benign (1 of 4 stars; one submission).

Allele frequency attached by ClinVar (database versions not stated): 1000 Genomes Project 0.00100; 1000 Genomes Project 30x 0.00109; ESP Exome Variant Server 0.00261; TOPMed 0.00277; ExAC 0.00280; gnomAD 0.00329; gnomAD exomes 0.00511.
gnomAD v4.1: 7,974 of 1,612,530 alleles (0.49%); highest among the groups gnomAD compares: Non-Finnish European, 0.58%; 27 homozygotes.

Submission:

CeGaT Center for Human Genetics Tuebingen
Classification: Likely benign. Last evaluated: 2024-02-01. Review status: criteria provided, single submitter. Criteria: CeGaT Center For Human Genetics Tuebingen Variant Classification Criteria Version 2. Collection method: clinical testing. Allele origin: germline. Affected: yes. Observed: 2 variant alleles.
Comment: XKR9: BP4, BS2